The following is an entry in ClinVar:

NM_004360.5(CDH1):c.48+5_48+6delinsGT

Gene: CDH1 (cadherin 1; plus strand). Cytogenetic location: 16q22.1.
Variant type: Indel.
Coding change: c.48+5_48+6delinsGT on transcript NM_004360.5 (MANE Select); bases 5 to 6 of the intron after coding-DNA position 48, CC replaced by GT.
Molecular consequence: intron variant.
Genome position (GRCh38, 1-based): chr16:68,737,468-68,737,469, CC replaced by GT. VCF-style: chr16-68737468-CC-GT. GRCh37 (hg19) VCF-style: chr16-68771371-CC-GT.
Other names: c.-1568+5_-1568+6delinsGT (NM_001317185.2); c.-1772+5_-1772+6delinsGT (NM_001317186.2); c.48+5_48+6delinsGT (NM_001317184.2); c.48+5_48+6delCCinsGT (NM_004360.3).
Identifiers: ClinVar variation 491542 (VCV000491542.13), dbSNP rs1555509656, ClinGen allele CA658683940.

ClinVar aggregate classification (germline): Conflicting classifications of pathogenicity. Review status: criteria provided, conflicting classifications (1 of 4 stars). 3 submissions from 3 submitters: Uncertain significance (2); Likely benign (1). Last evaluated 2026-02-10.

Conditions:
Hereditary diffuse gastric adenocarcinoma (HDGC). Also called: DIFFUSE GASTRIC AND LOBULAR BREAST CANCER SYNDROME. Identifiers: Orphanet 26106, MedGen C1708349, MONDO:0007648, OMIM 137215.
Hereditary cancer-predisposing syndrome. Also called: Tumor predisposition; Hereditary Cancer Syndrome; Neoplastic Syndromes, Hereditary; Hereditary neoplastic syndrome. Identifiers: Orphanet 140162, MedGen C0027672, MeSH D009386, MONDO:0015356.

Submissions (3):

Ambry Genetics
Classification: Uncertain significance for Hereditary cancer-predisposing syndrome. Last evaluated: 2026-02-10. Review status: criteria provided, single submitter. Criteria: Ambry Variant Classification Scheme 2023. Collection method: clinical testing. Allele origin: germline.
Comment: The c.48+5_48+6delCCinsGT intronic variant, located in intron 1 of the CDH1 gene, results from the deletion of two nucleotides (CC) and the insertion of two nucleotides (GT) at nucleotide positions 48+5 and 48+6. These nucleotide positions are not well conserved in available vertebrate species. In silico splice site analysis predicts that this alteration will not have any significant effect on splicing; however, direct evidence is insufficient at this time (Ambry internal data). Based on the available evidence, the clinical significance of this variant remains unclear.

Labcorp Genetics (formerly Invitae), Labcorp
Classification: Uncertain significance for Hereditary diffuse gastric adenocarcinoma. Last evaluated: 2019-07-04. Review status: criteria provided, single submitter. Criteria: Invitae Variant Classification Sherloc (09022015). Collection method: clinical testing. Allele origin: germline.
Comment: This sequence change falls in intron 1 of the CDH1 gene. It does not directly change the encoded amino acid sequence of the CDH1 protein, but it affects a nucleotide within the consensus splice site of the intron. The frequency data for this variant in the population databases is considered unreliable, as metrics indicate insufficient coverage at this position in the ExAC database. This variant has not been reported in the literature in individuals with CDH1-related conditions. ClinVar contains an entry for this variant (Variation ID: 491542). In summary, the available evidence is currently insufficient to determine the role of this variant in disease. Therefore, it has been classified as a Variant of Uncertain Significance. Nucleotide substitutions within the consensus splice site are a relatively common cause of aberrant splicing (PMID: 17576681, 9536098).

Color Diagnostics, LLC DBA Color Health
Classification: Likely benign for Hereditary cancer-predisposing syndrome. Last evaluated: 2016-05-09. Review status: criteria provided, single submitter. Criteria: ACMG Guidelines, 2015. Collection method: clinical testing. Allele origin: germline.

Literature cited by the submitters: PubMed 17576681 (cited by Labcorp Genetics (formerly Invitae), Labcorp); PubMed 9536098 (cited by Labcorp Genetics (formerly Invitae), Labcorp).